The following is an entry in ClinVar:

NM_004656.4(BAP1):c.1461C>T (p.Thr487=)

Gene: BAP1 (BRCA1 associated deubiquitinase 1; minus strand). Cytogenetic location: 3p21.1.
Variant type: single nucleotide variant.
Coding change: c.1461C>T on transcript NM_004656.4 (MANE Select); coding-DNA position 1461, C replaced by T.
Protein change: p.Thr487=; no amino-acid change (threonine 487 retained).
Molecular consequence: synonymous variant.
Genome position (GRCh38, 1-based): chr3:52,403,684, G>A on the plus strand (C>T on the coding strand, the complement: BAP1 is on the minus strand). VCF-style: chr3-52403684-G-A. GRCh37 (hg19) VCF-style: chr3-52437700-G-A.
Other names: c.1461C>T (LRG_529t1).
Identifiers: ClinVar variation 472670 (VCV000472670.26), dbSNP rs762466375, ClinGen allele CA2436797.
Genomic context (GRCh38, chr3:52,403,684, plus strand): 5'-CAGTGGCGAGTTGAAAGCACTGCCGATCTCAGAGGCCGTGTCTGTACTCTCATTGCTGGG[G>A]GTGGGTGAGGGCTGCGAGTGTGTGGGCACTGCCACAGCCGGACTCCCAGCCCCGCTGCTA-3'
Protein context (NP_004647.1, residues 477-497): AVPTHSQPSP[Thr487=]PSNESTDTAS

ClinVar aggregate classification (germline): Benign/Likely benign. Review status: criteria provided, multiple submitters, no conflicts (2 of 4 stars). 7 submissions from 7 submitters: Benign (2); Likely benign (5). Last evaluated 2026-01-25.

Conditions:
Hereditary cancer-predisposing syndrome. Also called: Hereditary neoplastic syndrome; Tumor predisposition; Neoplastic Syndromes, Hereditary; Hereditary Cancer Syndrome. Identifiers: Orphanet 140162, MedGen C0027672, MeSH D009386, MONDO:0015356.
BAP1-related tumor predisposition syndrome (TPDS1). Also called: Tumor susceptibility linked to germline BAP1 mutations; TUMOR PREDISPOSITION SYNDROME 1; BAP1 tumor predisposition syndrome; COMMON Syndrome. Identifiers: Orphanet 289539, MedGen C3280492, MONDO:0013692, OMIM 614327.

Allele frequency attached by ClinVar (database versions not stated): gnomAD exomes 0.00002; TOPMed 0.00002; ExAC 0.00003; gnomAD 0.00004.

Submissions (7):

Labcorp Genetics (formerly Invitae), Labcorp
Classification: Likely benign for BAP1-related tumor predisposition syndrome. Last evaluated: 2026-01-25. Review status: criteria provided, single submitter. Criteria: Invitae Variant Classification Sherloc (09022015). Collection method: clinical testing. Allele origin: germline.

CeGaT Center for Human Genetics Tuebingen
Classification: Likely benign. Last evaluated: 2025-10-01. Review status: criteria provided, single submitter. Criteria: CeGaT Center For Human Genetics Tuebingen Variant Classification Criteria Version 2. Collection method: clinical testing. Allele origin: germline. Affected: yes. Observed: 1 variant allele.
Comment: BAP1: BP4, BP7

Quest Diagnostics Nichols Institute San Juan Capistrano
Classification: Benign. Last evaluated: 2025-08-11. Review status: criteria provided, single submitter. Criteria: Quest Diagnostics criteria. Collection method: clinical testing. Allele origin: unknown.

Center for Genomic Medicine, Rigshospitalet, Copenhagen University Hospital
Classification: Likely benign. Last evaluated: 2025-03-04. Review status: criteria provided, single submitter. Criteria: ACMG Guidelines, 2015. Collection method: clinical testing. Allele origin: germline.

Myriad Genetics, Inc.
Classification: Benign for BAP1-related tumor predisposition syndrome. Last evaluated: 2024-07-16. Review status: criteria provided, single submitter. Criteria: Myriad Autosomal Dominant, Autosomal Recessive and X-Linked Classification Criteria (2023). Collection method: clinical testing. Allele origin: unknown.
Comment: This variant is considered benign. This variant is a silent/synonymous amino acid change and it is not expected to impact splicing.

Color Diagnostics, LLC DBA Color Health
Classification: Likely benign for Hereditary cancer-predisposing syndrome. Last evaluated: 2017-10-08. Review status: criteria provided, single submitter. Criteria: ACMG Guidelines, 2015. Collection method: clinical testing. Allele origin: germline.

Ambry Genetics
Classification: Likely benign for Hereditary cancer-predisposing syndrome. Last evaluated: 2015-06-29. Review status: criteria provided, single submitter. Criteria: Ambry Variant Classification Scheme 2023. Collection method: clinical testing. Allele origin: germline.